The following is an entry in ClinVar:

NM_005629.4(SLC6A8):c.961C>T (p.Leu321=)

Gene: SLC6A8 (solute carrier family 6 member 8; plus strand). Cytogenetic location: Xq28.
Variant type: single nucleotide variant.
Coding change: c.961C>T on transcript NM_005629.4 (MANE Select); coding-DNA position 961, C replaced by T.
Protein change: p.Leu321=; no amino-acid change (leucine 321 retained).
Molecular consequence: synonymous variant.
Genome position (GRCh38, 1-based): chrX:153,693,311, C>T. VCF-style: chrX-153693311-C-T. GRCh37 (hg19) VCF-style: chrX-152958766-C-T.
Other names: c.961C>T, p.Leu321= (NM_001142805.2); c.616C>T, p.Leu206= (NM_001142806.1).
Identifiers: ClinVar variation 3030958 (VCV003030958.2), dbSNP rs2522162709, ClinGen allele CA519344895.

ClinVar aggregate classification (germline): Likely benign (0 of 4 stars; one submission).

Conditions:
SLC6A8-related disorder. Also called: SLC6A8-related condition.

Submission:

PreventionGenetics, part of Exact Sciences
Classification: Likely benign for SLC6A8-related condition. Last evaluated: 2021-03-11. Review status: no assertion criteria provided. Collection method: clinical testing. Allele origin: germline.
Comment: This variant is classified as likely benign based on ACMG/AMP sequence variant interpretation guidelines (Richards et al. 2015 PMID: 25741868, with internal and published modifications).